The following is an entry in ClinVar:

ClinVar aggregate classification (germline): Uncertain significance. Review status: criteria provided, multiple submitters, no conflicts (2 of 4 stars). 2 submissions from 2 submitters: Uncertain significance (2). Last evaluated 2024-10-11.

Conditions:
Inborn genetic diseases. Identifiers: MedGen C0950123, MeSH D030342.

Allele frequency attached by ClinVar (database versions not stated): gnomAD exomes below 0.00001; gnomAD 0.00001; TOPMed 0.00001.
gnomAD v4.1: 8 of 1,614,100 alleles (0.0005%); highest among the groups gnomAD compares: South Asian, 0.0044%; no homozygotes.

Submissions (2):

Ambry Genetics
Classification: Uncertain significance for Inborn genetic diseases. Last evaluated: 2024-10-11. Review status: criteria provided, single submitter. Criteria: Ambry Variant Classification Scheme 2023. Collection method: clinical testing. Allele origin: germline.

Labcorp Genetics (formerly Invitae), Labcorp
Classification: Uncertain significance. Last evaluated: 2022-03-18. Review status: criteria provided, single submitter. Criteria: Invitae Variant Classification Sherloc (09022015). Collection method: clinical testing. Allele origin: germline.
Comment: This sequence change replaces isoleucine, which is neutral and non-polar, with threonine, which is neutral and polar, at codon 162 of the PROSC protein (p.Ile162Thr). This variant is present in population databases (no rsID available, gnomAD no frequency). This variant has not been reported in the literature in individuals affected with PROSC-related conditions. Algorithms developed to predict the effect of missense changes on protein structure and function (SIFT, PolyPhen-2, Align-GVGD) all suggest that this variant is likely to be tolerated. In summary, the available evidence is currently insufficient to determine the role of this variant in disease. Therefore, it has been classified as a Variant of Uncertain Significance.

NM_007198.4(PLPBP):c.485T>C (p.Ile162Thr)

Gene: PLPBP (pyridoxal phosphate binding protein; plus strand). Cytogenetic location: 8p11.23.
Variant type: single nucleotide variant.
Coding change: c.485T>C on transcript NM_007198.4 (MANE Select); coding-DNA position 485, T replaced by C.
Protein change: p.Ile162Thr; replaces isoleucine 162 with threonine.
Molecular consequence: missense variant.
Genome position (GRCh38, 1-based): chr8:37,775,369, T>C. VCF-style: chr8-37775369-T-C. GRCh37 (hg19) VCF-style: chr8-37632887-T-C.
Other names: c.515T>C, p.Ile172Thr (NM_001349346.2); c.479T>C, p.Ile160Thr (NM_001349347.2); c.329T>C, p.Ile110Thr (NM_001349348.2); c.485T>C (NM_007198.3); short protein forms I110T, I160T, I162T, I172T.
Identifiers: ClinVar variation 1902870 (VCV001902870.3), dbSNP rs1447275348, ClinGen allele CA370668355.